The following is an entry in ClinVar:

ClinVar aggregate classification (germline): Conflicting classifications of pathogenicity. Review status: criteria provided, conflicting classifications (1 of 4 stars). 3 submissions from 3 submitters: Uncertain significance (2); Likely benign (1). Last evaluated 2024-11-24.

Conditions:
Congenital contractural arachnodactyly (CCA). Also called: Beals-Hecht syndrome; BEALS SYNDROME; Arthrogryposis, distal, type 9. Identifiers: Orphanet 115, MedGen C0220668, MONDO:0007363, OMIM 121050.
Familial thoracic aortic aneurysm and aortic dissection (TAAD). Also called: Thoracic aortic aneurysms and dissections. Identifiers: Orphanet 91387, MedGen C4707243, MONDO:0019625.

Allele frequency attached by ClinVar (database versions not stated): gnomAD exomes 0.00001 and 0.00007; ExAC 0.00011; TOPMed 0.00025; gnomAD 0.00026 and 0.00028; ESP Exome Variant Server 0.00039.
gnomAD v4.1: 66 of 1,610,264 alleles (0.0041%); highest among the groups gnomAD compares: African/African-American, 0.076%; no homozygotes.

Submissions (3):

Labcorp Genetics (formerly Invitae), Labcorp
Classification: Likely benign for Congenital contractural arachnodactyly. Last evaluated: 2024-11-24. Review status: criteria provided, single submitter. Criteria: Invitae Variant Classification Sherloc (09022015). Collection method: clinical testing. Allele origin: germline.

GeneDx
Classification: Uncertain significance. Last evaluated: 2024-07-05. Review status: criteria provided, single submitter. Criteria: GeneDx Variant Classification Process June 2021. Collection method: clinical testing. Allele origin: germline. Affected: yes.
Comment: Has not been previously published as pathogenic or benign to our knowledge; In silico analysis supports that this missense variant has a deleterious effect on protein structure/function

Ambry Genetics
Classification: Uncertain significance for Familial thoracic aortic aneurysm and aortic dissection. Last evaluated: 2018-07-03. Review status: criteria provided, single submitter. Criteria: Ambry Variant Classification Scheme 2023. Collection method: clinical testing. Allele origin: germline.
Comment: The p.R73S variant (also known as c.217C>A), located in coding exon 1 of the FBN2 gene, results from a C to A substitution at nucleotide position 217. The arginine at codon 73 is replaced by serine, an amino acid with dissimilar properties. This amino acid position is not well conserved in available vertebrate species. In addition, the in silico prediction for this alteration is inconclusive. Since supporting evidence is limited at this time, the clinical significance of this variant remains unclear.

NM_001999.4(FBN2):c.217C>A (p.Arg73Ser)

Gene: FBN2 (fibrillin 2; minus strand). Cytogenetic location: 5q23.3.
Variant type: single nucleotide variant.
Coding change: c.217C>A on transcript NM_001999.4 (MANE Select); coding-DNA position 217, C replaced by A.
Protein change: p.Arg73Ser; replaces arginine 73 with serine.
Molecular consequence: missense variant.
Genome position (GRCh38, 1-based): chr5:128,537,387, G>T on the plus strand (C>A on the coding strand, the complement: FBN2 is on the minus strand). VCF-style: chr5-128537387-G-T. GRCh37 (hg19) VCF-style: chr5-127873080-G-T.
Other names: short protein forms R73S.
Identifiers: ClinVar variation 213266 (VCV000213266.20), dbSNP rs148493036, ClinGen allele CA323258.
Genomic context (GRCh38, chr5:128,537,387, plus strand): 5'-TGCGGAGCCGCTTGCCCACTTACCCTCGGAGCACGTCCTGCTGTCCTCGCCGGCGGACGC[G>T]GCTGGCCACTGCGGCACCCTCCTCGCGATACTCGGGCGCTAGAAACCCGCCTTCAGAGCC-3'
Protein context (NP_001990.2, residues 63-83): YREEGAAVAS[Arg73Ser]VRRRGQQDVL